The following is an entry in ClinVar:

ClinVar aggregate classification (germline): Uncertain significance (1 of 4 stars; one submission).

Conditions:
Chédiak-Higashi syndrome (CHS). Also called: Chediak-Higashi Syndrome. Identifiers: Orphanet 167, MedGen C0007965, MONDO:0008963, OMIM 214500.

Allele frequency attached by ClinVar (database versions not stated): gnomAD exomes 0.00001; gnomAD 0.00003; TOPMed 0.00003.
gnomAD v4.1: 15 of 1,613,534 alleles (0.00093%); highest among the groups gnomAD compares: African/African-American, 0.0013%; no homozygotes.

Submission:

Labcorp Genetics (formerly Invitae), Labcorp
Classification: Uncertain significance for Chédiak-Higashi syndrome. Last evaluated: 2024-07-31. Review status: criteria provided, single submitter. Criteria: Invitae Variant Classification Sherloc (09022015). Collection method: clinical testing. Allele origin: germline.
Comment: This sequence change replaces asparagine, which is neutral and polar, with aspartic acid, which is acidic and polar, at codon 3121 of the LYST protein (p.Asn3121Asp). This variant is present in population databases (no rsID available, gnomAD 0.002%). This variant has not been reported in the literature in individuals affected with LYST-related conditions. ClinVar contains an entry for this variant (Variation ID: 1006504). Advanced modeling of protein sequence and biophysical properties (such as structural, functional, and spatial information, amino acid conservation, physicochemical variation, residue mobility, and thermodynamic stability) performed at Invitae indicates that this missense variant is expected to disrupt LYST protein function with a positive predictive value of 80%. In summary, the available evidence is currently insufficient to determine the role of this variant in disease. Therefore, it has been classified as a Variant of Uncertain Significance.

NM_000081.4(LYST):c.9361A>G (p.Asn3121Asp)

Gene: LYST (lysosomal trafficking regulator; minus strand). Cytogenetic location: 1q42.3.
Variant type: single nucleotide variant.
Coding change: c.9361A>G on transcript NM_000081.4 (MANE Select); coding-DNA position 9361, A replaced by G.
Protein change: p.Asn3121Asp; replaces asparagine 3121 with aspartic acid.
Molecular consequence: missense variant.
Genome position (GRCh38, 1-based): chr1:235,720,860, T>C on the plus strand (A>G on the coding strand, the complement: LYST is on the minus strand). VCF-style: chr1-235720860-T-C. GRCh37 (hg19) VCF-style: chr1-235884160-T-C.
Other names: c.9361A>G, p.Asn3121Asp (NM_001301365.1); short protein forms N3121D.
Identifiers: ClinVar variation 1006504 (VCV001006504.3), dbSNP rs1001747745, ClinGen allele CA39603024.
Genomic context (GRCh38, chr1:235,720,860, plus strand): 5'-TAATTTGCCCAGTATACCATAAATTTGTCAGAGCGGTGATGTTACCATATTCCAGAAGAT[T>C]AGGGAGGTTATTTGTGAGTATATTGTGGTATACATCATCACGAACCTAAAAGGGAAGGAG-3'
Protein context (NP_000072.2, residues 3111-3131): YHNILTNNLP[Asn3121Asp]LLEYGNITAL